The following is an entry in ClinVar:

NM_152594.3(SPRED1):c.423+1del

Gene: SPRED1 (sprouty related EVH1 domain containing 1; plus strand). Cytogenetic location: 15q14.
Variant type: Deletion.
Coding change: c.423+1del on transcript NM_152594.3 (MANE Select); the canonical splice donor site of the intron after coding-DNA position 423, one base deleted (G; older notation c.423+1delG).
Molecular consequence: splice donor variant.
Genome position (GRCh38, 1-based): chr15:38,324,810, G deleted. VCF-style (leftmost placement, unchanged base first): chr15-38324809-AG-A. GRCh37 (hg19) VCF-style: chr15-38617010-AG-A.
Identifiers: ClinVar variation 2033504 (VCV002033504.4), dbSNP rs2542700396, ClinGen allele CA2580089313.
Genomic context (GRCh38, chr15:38,324,809, plus strand): 5'-ATCTATTTTCTTAGGATGCCCCGAATCAAAAAATGAAGCTGAAGGGGCAGATGACTTACA[AG>A]TAAGTAATGGCTTGGAAGGAATTTGTAAACATAAAGGATGTGGAAGAAATCACTAGCCTT-3'

ClinVar aggregate classification (germline): Likely pathogenic (1 of 4 stars; one submission).

Conditions:
Legius syndrome. Identifiers: Orphanet 137605, MedGen C1969623, MONDO:0012669, OMIM 611431. Disease mechanism: loss of function.

Submission:

Labcorp Genetics (formerly Invitae), Labcorp
Classification: Likely pathogenic for Legius syndrome. Last evaluated: 2025-03-31. Review status: criteria provided, single submitter. Criteria: Invitae Variant Classification Sherloc (09022015). Collection method: clinical testing. Allele origin: germline.
Comment: This sequence change affects a splice site in intron 4 of the SPRED1 gene. It is expected to disrupt RNA splicing. Variants that disrupt the donor or acceptor splice site typically lead to a loss of protein function (PMID: 16199547), and loss-of-function variants in SPRED1 are known to be pathogenic (PMID: 17704776). This variant is not present in population databases (gnomAD no frequency). This variant has not been reported in the literature in individuals affected with SPRED1-related conditions. ClinVar contains an entry for this variant (Variation ID: 2033504). Algorithms developed to predict the effect of sequence changes on RNA splicing suggest that this variant may disrupt the consensus splice site. In summary, the currently available evidence indicates that the variant is pathogenic, but additional data are needed to prove that conclusively. Therefore, this variant has been classified as Likely Pathogenic.

Literature cited by the submitters: PubMed 16199547; PubMed 17704776.